The following is an entry in ClinVar:

NM_000260.4(MYO7A):c.2813A>G (p.Asn938Ser)

Gene: MYO7A (myosin VIIA; plus strand). Cytogenetic location: 11q13.5.
Variant type: single nucleotide variant.
Coding change: c.2813A>G on transcript NM_000260.4 (MANE Select); coding-DNA position 2813, A replaced by G.
Protein change: p.Asn938Ser; replaces asparagine 938 with serine.
Molecular consequence: missense variant.
Genome position (GRCh38, 1-based): chr11:77,181,498, A>G. VCF-style: chr11-77181498-A-G. GRCh37 (hg19) VCF-style: chr11-76892544-A-G.
Other names: c.2813A>G, p.Asn938Ser (NM_001127180.2); c.2780A>G, p.Asn927Ser (NM_001369365.1); short protein forms N927S, N938S.
Identifiers: ClinVar variation 1310536 (VCV001310536.3), dbSNP rs1241168357, ClinGen allele CA381942997.
Genomic context (GRCh38, chr11:77,181,498, plus strand): 5'-CCGCTCGGCGGAAGAAGGAGCTCCTGGAGCAGATGGAAAGGGCCCGCCATGAGCCTGTCA[A>G]TCACTCAGACATGGTGGACAAGATGTTTGGCTTCCTGGGGACTTCAGGTGGCCTGCCAGG-3'
Protein context (NP_000251.3, residues 928-948): QMERARHEPV[Asn938Ser]HSDMVDKMFG

ClinVar aggregate classification (germline): Uncertain significance. Review status: criteria provided, multiple submitters, no conflicts (2 of 4 stars). 2 submissions from 2 submitters: Uncertain significance (2). Last evaluated 2025-06-25.

Conditions:
MYO7A-related disorder. Also called: MYO7A-related disorders.

Allele frequency attached by ClinVar (database versions not stated): gnomAD exomes below 0.00001 and 0.00001; TOPMed below 0.00001; gnomAD 0.00001.
gnomAD v4.1: 9 of 1,613,380 alleles (0.00056%); highest among the groups gnomAD compares: Admixed American, 0.0017%; no homozygotes.

Submissions (2):

PreventionGenetics, part of Exact Sciences
Classification: Uncertain significance for MYO7A-related condition. Last evaluated: 2025-06-25. Review status: criteria provided, single submitter. Criteria: ACMG Guidelines, 2015. Collection method: clinical testing. Allele origin: germline.
Comment: The MYO7A c.2813A>G variant is predicted to result in the amino acid substitution p.Asn938Ser. To our knowledge, this variant has not been reported in the literature. This variant is reported in 0.0029% of alleles in individuals of Latino descent in gnomAD. At this time, the clinical significance of this variant is uncertain due to the absence of conclusive functional and genetic evidence.

GeneDx
Classification: Uncertain significance. Last evaluated: 2019-11-27. Review status: criteria provided, single submitter. Criteria: GeneDx Variant Classification Process June 2021. Collection method: clinical testing. Allele origin: germline. Affected: yes.
Comment: Not observed at a significant frequency in large population cohorts (Lek et al., 2016); In silico analysis, which includes protein predictors and evolutionary conservation, supports that this variant does not alter protein structure/function; Has not been previously published as pathogenic or benign to our knowledge